The following is an entry in ClinVar:

ClinVar aggregate classification (germline): Uncertain significance. Review status: criteria provided, multiple submitters, no conflicts (2 of 4 stars). 2 submissions from 2 submitters: Uncertain significance (2). Last evaluated 2024-03-21.

Conditions:
Hereditary cancer-predisposing syndrome. Also called: Neoplastic Syndromes, Hereditary; Tumor predisposition; Hereditary neoplastic syndrome; Hereditary Cancer Syndrome. Identifiers: Orphanet 140162, MedGen C0027672, MeSH D009386, MONDO:0015356.

Submissions (2):

Labcorp Genetics (formerly Invitae), Labcorp
Classification: Uncertain significance. Last evaluated: 2024-03-21. Review status: criteria provided, single submitter. Criteria: Invitae Variant Classification Sherloc (09022015). Collection method: clinical testing. Allele origin: germline.
Comment: This sequence change replaces tyrosine, which is neutral and polar, with histidine, which is basic and polar, at codon 85 of the POLE protein (p.Tyr85His). This variant is not present in population databases (gnomAD no frequency). This variant has not been reported in the literature in individuals affected with POLE-related conditions. Advanced modeling of protein sequence and biophysical properties (such as structural, functional, and spatial information, amino acid conservation, physicochemical variation, residue mobility, and thermodynamic stability) performed at Invitae indicates that this missense variant is expected to disrupt POLE protein function with a positive predictive value of 80%. In summary, the available evidence is currently insufficient to determine the role of this variant in disease. Therefore, it has been classified as a Variant of Uncertain Significance.

Ambry Genetics
Classification: Uncertain significance for Hereditary cancer-predisposing syndrome. Last evaluated: 2023-09-20. Review status: criteria provided, single submitter. Criteria: Ambry Variant Classification Scheme 2023. Collection method: clinical testing. Allele origin: germline.
Comment: The p.Y85H variant (also known as c.253T>C), located in coding exon 3 of the POLE gene, results from a T to C substitution at nucleotide position 253. The tyrosine at codon 85 is replaced by histidine, an amino acid with similar properties. This amino acid position is conserved. In addition, the in silico prediction for this alteration is inconclusive. Since supporting evidence is limited at this time, the clinical significance of this alteration remains unclear.

NM_006231.4(POLE):c.253T>C (p.Tyr85His)

Gene: POLE (DNA polymerase epsilon, catalytic subunit; minus strand). Cytogenetic location: 12q24.33.
Variant type: single nucleotide variant.
Coding change: c.253T>C on transcript NM_006231.4 (MANE Select); coding-DNA position 253, T replaced by C.
Protein change: p.Tyr85His; replaces tyrosine 85 with histidine.
Molecular consequence: missense variant.
Genome position (GRCh38, 1-based): chr12:132,680,639, A>G on the plus strand (T>C on the coding strand, the complement: POLE is on the minus strand). VCF-style: chr12-132680639-A-G. GRCh37 (hg19) VCF-style: chr12-133257225-A-G.
Other names: short protein forms Y85H.
Identifiers: ClinVar variation 3225420 (VCV003225420.3), dbSNP rs2542193971, ClinGen allele CA387369127.
Genomic context (GRCh38, chr12:132,680,639, plus strand): 5'-TTTTAGCTTGTCGCAGTCAGGGGCTTACCTTAAATCTGCTTCCGTCATCTTGAATAAAGT[A>G]GTAATCCACTGCACTGCCTAAGCGCTTATCTTCATCTAAAATCTCGGTCTACAAGAGAAT-3'
Protein context (NP_006222.2, residues 75-95): DKRLGSAVDY[Tyr85His]FIQDDGSRFK